The following is an entry in ClinVar:

ClinVar aggregate classification (germline): Uncertain significance. Review status: criteria provided, multiple submitters, no conflicts (2 of 4 stars). 5 submissions from 5 submitters: Uncertain significance (5). Last evaluated 2025-05-27.

Conditions:
Inborn genetic diseases. Identifiers: MedGen C0950123, MeSH D030342.
Mitochondrial DNA depletion syndrome 1. Also called: Mitochondrial DNA Depletion Syndrome, MNGIE Form; Mitochondrial Neurogastrointestinal Encephalopathy Disease; MITOCHONDRIAL NEUROGASTROINTESTINAL ENCEPHALOPATHY SYNDROME, TYMP-RELATED; MNGIE, TYMP-RELATED; Mitochondrial DNA depletion syndrome 1 (MNGIE type); Mitochondrial neurogastrointestinal encephalomyopathy syndrome. Identifiers: Orphanet 298, MedGen C4551995, MONDO:0011283, OMIM 603041.
Progressive sclerosing poliodystrophy (MTDPS4A). Also called: Mitochondrial DNA depletion syndrome 4A (Alpers type); Mitochondrial DNA Depletion Syndrome 4A; Alpers Syndrome; ALPERS DIFFUSE DEGENERATION OF CEREBRAL GRAY MATTER WITH HEPATIC CIRRHOSIS; Alpers-Huttenlocher Syndrome; ALPERS PROGRESSIVE INFANTILE POLIODYSTROPHY. Identifiers: Orphanet 726, MedGen C0205710, MONDO:0008758, OMIM 203700.
Mitochondrial DNA depletion syndrome 4b. Also called: MNGIE, POLG-RELATED; Mitochondrial Neurogastrointestinal Encephalopathy Disease, POLG-Related. Identifiers: Orphanet 298, MedGen C3150914, MONDO:0013350, OMIM 613662.
Progressive external ophthalmoplegia with mitochondrial DNA deletions, autosomal dominant 1 (PEOA1). Also called: PROGRESSIVE EXTERNAL OPHTHALMOPLEGIA, AUTOSOMAL DOMINANT 1; Autosomal Dominant Progressive External Ophthalmoplegia (adPEO). Identifiers: MedGen C1834846, MONDO:0024528, OMIM 157640.
Progressive external ophthalmoplegia with mitochondrial DNA deletions, autosomal recessive 1 (PEOB1). Also called: Progressive external ophthalmoplegia, autosomal recessive 1; Autosomal Recessive Progressive External Ophthalmoplegia (arPEO). Identifiers: Orphanet 254886, MedGen C4225153, MONDO:0009783, OMIM 258450.
Sensory ataxic neuropathy, dysarthria, and ophthalmoparesis (SANDO). Also called: SENSORY ATAXIC NEUROPATHY WITH MITOCHONDRIAL DNA DELETIONS, AUTOSOMAL RECESSIVE; Sensory ataxic neuropathy-dysarthria-ophthalmoparesis syndrome; Epilepsy, progressive myoclonic, type 5; Ataxia Neuropathy Spectrum (ANS). Identifiers: Orphanet 70595, MedGen C1843851, MONDO:0011835, OMIM 607459.

Allele frequency attached by ClinVar (database versions not stated): gnomAD exomes 0.00001 and 0.00002; ExAC 0.00002; gnomAD 0.00003; TOPMed 0.00003.
gnomAD v4.1: 8 of 1,614,244 alleles (0.0005%); highest among the groups gnomAD compares: Admixed American, 0.013%; no homozygotes.

Submissions (5):

Labcorp Genetics (formerly Invitae), Labcorp
Classification: Uncertain significance for Progressive sclerosing poliodystrophy. Last evaluated: 2025-05-27. Review status: criteria provided, single submitter. Criteria: Invitae Variant Classification Sherloc (09022015). Collection method: clinical testing. Allele origin: germline.
Comment: This sequence change replaces leucine, which is neutral and non-polar, with valine, which is neutral and non-polar, at codon 902 of the POLG protein (p.Leu902Val). This variant is present in population databases (rs745528696, gnomAD 0.01%). This variant has not been reported in the literature in individuals affected with POLG-related conditions. ClinVar contains an entry for this variant (Variation ID: 593514). Invitae Evidence Modeling of protein sequence and biophysical properties (such as structural, functional, and spatial information, amino acid conservation, physicochemical variation, residue mobility, and thermodynamic stability) indicates that this missense variant is expected to disrupt POLG protein function with a positive predictive value of 95%. In summary, the available evidence is currently insufficient to determine the role of this variant in disease. Therefore, it has been classified as a Variant of Uncertain Significance.

GeneDx
Classification: Uncertain significance. Last evaluated: 2023-01-06. Review status: criteria provided, single submitter. Criteria: GeneDx Variant Classification Process June 2021. Collection method: clinical testing. Allele origin: germline. Affected: yes.
Comment: Not observed at significant frequency in large population cohorts (gnomAD); In silico analysis supports that this missense variant does not alter protein structure/function; Has not been previously published as pathogenic or benign to our knowledge

Fulgent Genetics
Classification: Uncertain significance for Progressive external ophthalmoplegia with mitochondrial DNA deletions, autosomal dominant 1; Progressive sclerosing poliodystrophy; Progressive external ophthalmoplegia with mitochondrial DNA deletions, autosomal recessive 1; Mitochondrial DNA depletion syndrome 1; Sensory ataxic neuropathy, dysarthria, and ophthalmoparesis; Mitochondrial DNA depletion syndrome 4b. Last evaluated: 2021-08-23. Review status: criteria provided, single submitter. Criteria: ACMG Guidelines, 2015. Collection method: clinical testing. Allele origin: unknown.

Ambry Genetics
Classification: Uncertain significance for Inborn genetic diseases. Last evaluated: 2021-08-10. Review status: criteria provided, single submitter. Criteria: Ambry Variant Classification Scheme 2023. Collection method: clinical testing. Allele origin: germline.

Eurofins Ntd Llc (ga)
Classification: Uncertain significance. Last evaluated: 2017-08-04. Review status: criteria provided, single submitter. Criteria: EGL Classification Definitions 2015. Collection method: clinical testing. Allele origin: germline. Observed: 1 variant allele, 1 heterozygote.

NM_002693.3(POLG):c.2704C>G (p.Leu902Val)

Gene: POLG (DNA polymerase gamma, catalytic subunit; minus strand). Cytogenetic location: 15q26.1.
Variant type: single nucleotide variant.
Coding change: c.2704C>G on transcript NM_002693.3 (MANE Select); coding-DNA position 2704, C replaced by G.
Protein change: p.Leu902Val; replaces leucine 902 with valine.
Molecular consequence: missense variant.
Genome position (GRCh38, 1-based): chr15:89,321,155, G>C on the plus strand (C>G on the coding strand, the complement: POLG is on the minus strand). VCF-style: chr15-89321155-G-C. GRCh37 (hg19) VCF-style: chr15-89864386-G-C.
Other names: c.2704C>G, p.Leu902Val (NM_001126131.2); short protein forms L902V.
Identifiers: ClinVar variation 593514 (VCV000593514.15), dbSNP rs745528696, ClinGen allele CA7724382.
Genomic context (GRCh38, chr15:89,321,155, plus strand): 5'-TGGGCTGCCCCAACCCCGGCTCCTGCTCACCATGCATGCCGGCAAAGTGGGCGTCTCCAA[G>C]CACAGCTGCAATCCACAGCTCTTGGGAGTCCACATCAGCACCCACAAGGGTGTAGCCAGG-3'
Protein context (NP_002684.1, residues 892-912): DSQELWIAAV[Leu902Val]GDAHFAGMHG